The following is an entry in ClinVar:

NM_000569.8(FCGR3A):c.306A>G (p.Leu102=)

Gene: FCGR3A (Fc gamma receptor IIIa; minus strand). Cytogenetic location: 1q23.3.
Variant type: single nucleotide variant.
Coding change: c.306A>G on transcript NM_000569.8 (MANE Select); coding-DNA position 306, A replaced by G.
Protein change: p.Leu102=; no amino-acid change (leucine 102 retained).
Molecular consequence: synonymous variant.
Genome position (GRCh38, 1-based): chr1:161,548,434, T>C on the plus strand (A>G on the coding strand, the complement: FCGR3A is on the minus strand). VCF-style: chr1-161548434-T-C. GRCh37 (hg19) VCF-style: chr1-161518224-T-C.
Other names: c.618A>G, p.Leu206= (NM_001127592.2); c.306A>G, p.Leu102= (NM_001127593.1, NM_001127595.2, NM_001329120.2); c.303A>G, p.Leu101= (NM_001127596.2, NM_001386450.1); c.621A>G, p.Leu207= (NM_001329122.1).
Identifiers: ClinVar variation 4681302 (VCV004681302.6).

ClinVar aggregate classification (germline): Likely benign. Review status: criteria provided, multiple submitters, no conflicts (2 of 4 stars). 2 submissions from 2 submitters: Likely benign (2). Last evaluated 2025-12-01.

gnomAD v4.1: 7,392 of 1,613,896 alleles (0.46%); highest among the groups gnomAD compares: Non-Finnish European, 0.56%; 3 homozygotes.

Submissions (2):

CeGaT Center for Human Genetics Tuebingen
Classification: Likely benign. Last evaluated: 2025-12-01. Review status: criteria provided, single submitter. Criteria: CeGaT Center For Human Genetics Tuebingen Variant Classification Criteria Version 2. Collection method: clinical testing. Allele origin: germline. Affected: yes. Observed: 1 variant allele.
Comment: FCGR3A: BP4, BP7

Blueprint Genetics
Classification: Likely benign. Last evaluated: 2024-11-13. Review status: criteria provided, single submitter. Criteria: ACMG Guidelines, 2015. Collection method: clinical testing. Allele origin: germline.